The following is an entry in ClinVar:

ClinVar aggregate classification (germline): Likely benign (1 of 4 stars; one submission).

Allele frequency attached by ClinVar (database versions not stated): ExAC 0.00001.
gnomAD v4.1: 21 of 1,608,620 alleles (0.0013%); highest among the groups gnomAD compares: East Asian, 0.0067%; no homozygotes.

Submission:

CeGaT Center for Human Genetics Tuebingen
Classification: Likely benign. Last evaluated: 2022-06-01. Review status: criteria provided, single submitter. Criteria: CeGaT Center For Human Genetics Tuebingen Variant Classification Criteria Version 2. Collection method: clinical testing. Allele origin: germline. Affected: yes. Observed: 1 variant allele.
Comment: GSDMD: BP4, BP7

NM_024736.7(GSDMD):c.753G>A (p.Thr251=)

Gene: GSDMD (gasdermin D; plus strand). Cytogenetic location: 8q24.3.
Variant type: single nucleotide variant.
Coding change: c.753G>A on transcript NM_024736.7 (MANE Select); coding-DNA position 753, G replaced by A.
Protein change: p.Thr251=; no amino-acid change (threonine 251 retained).
Molecular consequence: synonymous variant.
Genome position (GRCh38, 1-based): chr8:143,561,758, G>A. VCF-style: chr8-143561758-G-A. GRCh37 (hg19) VCF-style: chr8-144643928-G-A.
Other names: c.753G>A, p.Thr251= (NM_001166237.1).
Identifiers: ClinVar variation 2658899 (VCV002658899.24), dbSNP rs374696339, ClinGen allele CA4911446.